The following is an entry in ClinVar:

NM_000492.4(CFTR):c.3273G>T (p.Leu1091Phe)

Genes: CFTR-AS2 (CFTR antisense RNA 2; minus strand), CFTR (CF transmembrane conductance regulator; plus strand), LOC111674472 (DNase I hypersensitive sites in introns 16 and 17a of CFTR; plus strand). Cytogenetic location: 7q31.2.
Variant type: single nucleotide variant.
Coding change: c.3273G>T on transcript NM_000492.4 (MANE Select); coding-DNA position 3273, G replaced by T.
Protein change: p.Leu1091Phe; replaces leucine 1091 with phenylalanine.
Molecular consequence: missense variant.
Genome position (GRCh38, 1-based): chr7:117,611,714, G>T. VCF-style: chr7-117611714-G-T. GRCh37 (hg19) VCF-style: chr7-117251768-G-T.
Other names: short protein forms L1091F.
Identifiers: ClinVar variation 1163288 (VCV001163288.7), dbSNP rs752753702, ClinGen allele CA368992343.

ClinVar aggregate classification (germline): Uncertain significance. Review status: criteria provided, multiple submitters, no conflicts (2 of 4 stars). 2 submissions from 2 submitters: Uncertain significance (2). Last evaluated 2024-12-10.

Conditions:
Cystic fibrosis (CF). Also called: MUCOVISCIDOSIS. Identifiers: Orphanet 586, MedGen C0010674, MONDO:0009061, OMIM 219700. Disease mechanism: loss of function.

gnomAD v4.1: 1 of 1,613,506 alleles (0.000062%); highest among the groups gnomAD compares: Non-Finnish European, 0.000085%; no homozygotes.

Submissions (2):

Labcorp Genetics (formerly Invitae), Labcorp
Classification: Uncertain significance for Cystic fibrosis. Last evaluated: 2024-12-10. Review status: criteria provided, single submitter. Criteria: Invitae Variant Classification Sherloc (09022015). Collection method: clinical testing. Allele origin: germline.
Comment: This sequence change replaces leucine, which is neutral and non-polar, with phenylalanine, which is neutral and non-polar, at codon 1091 of the CFTR protein (p.Leu1091Phe). This variant is not present in population databases (gnomAD no frequency). This variant has not been reported in the literature in individuals affected with CFTR-related conditions. ClinVar contains an entry for this variant (Variation ID: 1163288). Invitae Evidence Modeling of protein sequence and biophysical properties (such as structural, functional, and spatial information, amino acid conservation, physicochemical variation, residue mobility, and thermodynamic stability) indicates that this missense variant is expected to disrupt CFTR protein function with a positive predictive value of 80%. In summary, the available evidence is currently insufficient to determine the role of this variant in disease. Therefore, it has been classified as a Variant of Uncertain Significance.

Mayo Clinic Laboratories, Mayo Clinic
Classification: Uncertain significance. Last evaluated: 2021-02-12. Review status: criteria provided, single submitter. Criteria: ACMG Guidelines, 2015. Collection method: clinical testing. Allele origin: germline. Observed: 1 variant allele.